The following is an entry in ClinVar:

NM_194454.3(KRIT1):c.302G>T (p.Gly101Val)

Gene: KRIT1 (KRIT1 ankyrin repeat containing; minus strand). Cytogenetic location: 7q21.2.
Variant type: single nucleotide variant.
Coding change: c.302G>T on transcript NM_194454.3 (MANE Select); coding-DNA position 302, G replaced by T.
Protein change: p.Gly101Val; replaces glycine 101 with valine.
Molecular consequence: missense variant. On other transcripts: 5 prime UTR variant (1).
Genome position (GRCh38, 1-based): chr7:92,237,720, C>A on the plus strand (G>T on the coding strand, the complement: KRIT1 is on the minus strand). VCF-style: chr7-92237720-C-A. GRCh37 (hg19) VCF-style: chr7-91867034-C-A.
Other names: p.Gly101Val; c.302G>T, p.Gly101Val (NM_001013406.2, NM_001350669.1, NM_001350670.1 and 29 more transcripts); c.-282G>T (NM_001350671.1); short protein forms G101V.
Identifiers: ClinVar variation 360889 (VCV000360889.16), dbSNP rs147568834, ClinGen allele CA4339419.

ClinVar aggregate classification (germline): Conflicting classifications of pathogenicity. Review status: criteria provided, conflicting classifications (1 of 4 stars). 8 submissions from 7 submitters: Uncertain significance (3); Benign (2); Likely benign (3). Last evaluated 2025-09-03.

Conditions:
Cerebral cavernous malformation (CCM). Also called: CAVERNOUS ANGIOMA, FAMILIAL; CAVERNOUS ANGIOMATOUS MALFORMATIONS; CEREBRAL CAPILLARY MALFORMATIONS; Cerebral cavernous hemangioma (type); Cerebral cavernous malformations; Cavernous Hemangioma of Brain. Identifiers: Orphanet 221061, MedGen C2919945, MONDO:0000820, OMIM 116860, HP:0033522.
Angiokeratoma corporis diffusum with arteriovenous fistulas. Identifiers: MedGen C1838141, MONDO:0010885, OMIM 600419.

Allele frequency attached by ClinVar (database versions not stated): ExAC 0.00028; ESP Exome Variant Server 0.00031; gnomAD exomes 0.00032 and 0.00042; TOPMed 0.00041; gnomAD 0.00042 and 0.00044.

Submissions (8):

Labcorp Genetics (formerly Invitae), Labcorp
Classification: Likely benign for Cerebral cavernous malformation. Last evaluated: 2025-09-03. Review status: criteria provided, single submitter. Criteria: Invitae Variant Classification Sherloc (09022015). Collection method: clinical testing. Allele origin: germline.

GeneDx
Classification: Uncertain significance. Last evaluated: 2025-05-06. Review status: criteria provided, single submitter. Criteria: GeneDx Variant Classification Process June 2021. Collection method: clinical testing. Allele origin: germline. Affected: yes.
Comment: In silico analysis supports a deleterious effect on splicing; In silico analysis supports that this missense variant has a deleterious effect on protein structure/function; Has been reported, as p.(G101V) in KRIT1, in published literature in a patient with cerebral cavernous malformations who also harbored a nonsense variant in CCM3 (PDCD10); the variant in PDCD10 was interpreted as being the causative variant by the authors (PMID: 23722637); This variant is associated with the following publications: (PMID: 23722637)

Mayo Clinic Laboratories, Mayo Clinic
Classification: Uncertain significance. Last evaluated: 2025-03-20. Review status: criteria provided, single submitter. Criteria: ACMG Guidelines, 2015. Collection method: clinical testing. Allele origin: germline. Observed: 1 variant allele.
Comment: BS1

Laboratory of Genetics, Children's Clinical University Hospital Latvia
Classification: Benign. Last evaluated: 2025-02-16. Review status: criteria provided, single submitter. Criteria: ACMG Guidelines, 2015. Collection method: clinical testing. Allele origin: germline. Affected: yes.

Blueprint Genetics
Classification: Likely benign. Last evaluated: 2024-11-11. Review status: criteria provided, single submitter. Criteria: ACMG Guidelines, 2015. Collection method: clinical testing. Allele origin: germline.

Department of Pathology and Laboratory Medicine, Sinai Health System
Classification: Uncertain significance for Cerebral cavernous malformation. Last evaluated: 2022-01-06. Review status: criteria provided, single submitter. Criteria: ACMG Guidelines, 2015. Collection method: research. Allele origin: germline.

Illumina Laboratory Services, Illumina
Classification: Benign for Angiokeratoma corporis diffusum with arteriovenous fistulas. Last evaluated: 2018-01-13. Review status: criteria provided, single submitter. Criteria: ICSL Variant Classification Criteria 13 December 2019. Collection method: clinical testing. Allele origin: germline.
Comment: This variant was observed in the ICSL laboratory as part of a predisposition screen in an ostensibly healthy population. It had not been previously curated by ICSL or reported in the Human Gene Mutation Database (HGMD: prior to June 1st, 2018), and was therefore a candidate for classification through an automated scoring system. Utilizing variant allele frequency, disease prevalence and penetrance estimates, and inheritance mode, an automated score was calculated to assess if this variant is too frequent to cause the disease. Based on the score and internal cut-off values, a variant classified as benign is not then subjected to further curation. The score for this variant resulted in a classification of benign for this disease.

Illumina Laboratory Services, Illumina
Classification: Likely benign for Cerebral cavernous malformation. Last evaluated: 2018-01-13. Review status: criteria provided, single submitter. Criteria: ICSL Variant Classification Criteria 13 December 2019. Collection method: clinical testing. Allele origin: germline.
Comment: This variant was observed in the ICSL laboratory as part of a predisposition screen in an ostensibly healthy population. It had not been previously curated by ICSL or reported in the Human Gene Mutation Database (HGMD: prior to June 1st, 2018), and was therefore a candidate for classification through an automated scoring system. Utilizing variant allele frequency, disease prevalence and penetrance estimates, and inheritance mode, an automated score was calculated to assess if this variant is too frequent to cause the disease. Based on the score and internal cut-off values, a variant classified as likely benign is not then subjected to further curation. The score for this variant resulted in a classification of likely benign for this disease.

Literature cited by the submitters: PubMed 23722637 (cited by Mayo Clinic Laboratories, Mayo Clinic).